The following is an entry in ClinVar:

NM_022489.4(INF2):c.2849G>T (p.Arg950Leu)

Gene: INF2 (inverted formin 2; plus strand). Cytogenetic location: 14q32.33.
Variant type: single nucleotide variant.
Coding change: c.2849G>T on transcript NM_022489.4 (MANE Select); coding-DNA position 2849, G replaced by T.
Protein change: p.Arg950Leu; replaces arginine 950 with leucine.
Molecular consequence: missense variant. On other transcripts: non-coding transcript variant (1).
Genome position (GRCh38, 1-based): chr14:104,713,280, G>T. VCF-style: chr14-104713280-G-T. GRCh37 (hg19) VCF-style: chr14-105179617-G-T.
Other names: c.2849G>T, p.Arg950Leu (NM_001031714.4, NM_001426862.1, NM_001426863.1 and 2 more transcripts); short protein forms R950L.
Identifiers: ClinVar variation 3752968 (VCV003752968.2).

ClinVar aggregate classification (germline): Uncertain significance (1 of 4 stars; one submission).

Conditions:
Focal segmental glomerulosclerosis 5 (FSGS5). Identifiers: Orphanet 656, MedGen C2750475, MONDO:0013191, OMIM 613237.
Charcot-Marie-Tooth disease dominant intermediate E. Also called: CHARCOT-MARIE-TOOTH NEUROPATHY WITH FOCAL SEGMENTAL GLOMERULONEPHRITIS. Identifiers: Orphanet 93114, MedGen C4302667, MONDO:0013758, OMIM 614455.

gnomAD v4.1: 9 of 1,550,338 alleles (0.00058%); highest among the groups gnomAD compares: African/African-American, 0.0014%; no homozygotes.

Submission:

Labcorp Genetics (formerly Invitae), Labcorp
Classification: Uncertain significance for Charcot-Marie-Tooth disease dominant intermediate E; Focal segmental glomerulosclerosis 5. Last evaluated: 2024-07-30. Review status: criteria provided, single submitter. Criteria: Invitae Variant Classification Sherloc (09022015). Collection method: clinical testing. Allele origin: germline.
Comment: This sequence change replaces arginine, which is basic and polar, with leucine, which is neutral and non-polar, at codon 950 of the INF2 protein (p.Arg950Leu). This variant is not present in population databases (gnomAD no frequency). This variant has not been reported in the literature in individuals affected with INF2-related conditions. Advanced modeling of protein sequence and biophysical properties (such as structural, functional, and spatial information, amino acid conservation, physicochemical variation, residue mobility, and thermodynamic stability) performed at Invitae indicates that this missense variant is not expected to disrupt INF2 protein function with a negative predictive value of 95%. In summary, the available evidence is currently insufficient to determine the role of this variant in disease. Therefore, it has been classified as a Variant of Uncertain Significance.